The following is an entry in ClinVar:

ClinVar aggregate classification (germline): Uncertain significance (1 of 4 stars; one submission).

Conditions:
Hereditary cancer-predisposing syndrome. Also called: Neoplastic Syndromes, Hereditary; Tumor predisposition; Hereditary Cancer Syndrome; Hereditary neoplastic syndrome. Identifiers: Orphanet 140162, MedGen C0027672, MeSH D009386, MONDO:0015356.

Submission:

Ambry Genetics
Classification: Uncertain significance for Hereditary cancer-predisposing syndrome. Last evaluated: 2021-12-10. Review status: criteria provided, single submitter. Criteria: Ambry Variant Classification Scheme 2023. Collection method: clinical testing. Allele origin: germline.
Comment: The p.R257I variant (also known as c.770G>T), located in coding exon 4 of the MSH3 gene, results from a G to T substitution at nucleotide position 770. The arginine at codon 257 is replaced by isoleucine, an amino acid with similar properties. This amino acid position is conserved. In addition, this alteration is predicted to be deleterious by in silico analysis. Since supporting evidence is limited at this time, the clinical significance of this alteration remains unclear.

NM_002439.5(MSH3):c.770G>T (p.Arg257Ile)

Gene: MSH3 (mutS homolog 3; plus strand). Cytogenetic location: 5q14.1.
Variant type: single nucleotide variant.
Coding change: c.770G>T on transcript NM_002439.5 (MANE Select); coding-DNA position 770, G replaced by T.
Protein change: p.Arg257Ile; replaces arginine 257 with isoleucine.
Molecular consequence: missense variant.
Genome position (GRCh38, 1-based): chr5:80,670,287, G>T. VCF-style: chr5-80670287-G-T. GRCh37 (hg19) VCF-style: chr5-79966106-G-T.
Other names: short protein forms R257I.
Identifiers: ClinVar variation 1760262 (VCV001760262.2), dbSNP rs2112812398, ClinGen allele CA360266987.